The following is an entry in ClinVar:

NM_001458.5(FLNC):c.2812-4A>G

Gene: FLNC (filamin C; plus strand). Cytogenetic location: 7q32.1.
Variant type: single nucleotide variant.
Coding change: c.2812-4A>G on transcript NM_001458.5 (MANE Select); 4 bases into the intron before coding-DNA position 2812, A replaced by G.
Molecular consequence: intron variant.
Genome position (GRCh38, 1-based): chr7:128,843,792, A>G. VCF-style: chr7-128843792-A-G. GRCh37 (hg19) VCF-style: chr7-128483846-A-G.
Other names: c.2812-4A>G (NM_001127487.2).
Identifiers: ClinVar variation 2159449 (VCV002159449.4), dbSNP rs1461105538, ClinGen allele CA2580076554.

ClinVar aggregate classification (germline): Uncertain significance (1 of 4 stars; one submission).

Conditions:
Myofibrillar myopathy 5. Also called: Filaminopathy (type); FILAMINOPATHY, AUTOSOMAL DOMINANT. Identifiers: Orphanet 171445, MedGen C1836050, MONDO:0012289, OMIM 609524.
Hypertrophic cardiomyopathy 26. Also called: Cardiomyopathy, familial hypertrophic, 26. Identifiers: Orphanet 75249, MedGen C4310749, MONDO:0014883, OMIM 617047.
Distal myopathy with posterior leg and anterior hand involvement. Also called: WILLIAMS DISTAL MYOPATHY. Identifiers: Orphanet 63273, MedGen C3279722, MONDO:0013550, OMIM 614065.

gnomAD v4.1: 1 of 1,613,420 alleles (0.000062%); highest among the groups gnomAD compares: Non-Finnish European, 0.000085%; no homozygotes.

Submission:

Labcorp Genetics (formerly Invitae), Labcorp
Classification: Uncertain significance for Distal myopathy with posterior leg and anterior hand involvement; Myofibrillar myopathy 5; Hypertrophic cardiomyopathy 26. Last evaluated: 2022-06-03. Review status: criteria provided, single submitter. Criteria: Invitae Variant Classification Sherloc (09022015). Collection method: clinical testing. Allele origin: germline.
Comment: Algorithms developed to predict the effect of sequence changes on RNA splicing suggest that this variant may create or strengthen a splice site. This sequence change falls in intron 18 of the FLNC gene. It does not directly change the encoded amino acid sequence of the FLNC protein. This variant is not present in population databases (gnomAD no frequency). This variant has been observed in individual(s) with hypertrophic cardiomyopathy (PMID: 30411535). In summary, the available evidence is currently insufficient to determine the role of this variant in disease. Therefore, it has been classified as a Variant of Uncertain Significance.

Literature cited by the submitters: PubMed 30411535.